The following is an entry in ClinVar:

ClinVar aggregate classification (germline): Pathogenic. Review status: reviewed by expert panel (3 of 4 stars). 3 submissions from 3 submitters: Pathogenic (1). 2 of the submissions do not count toward it. Last evaluated 2016-10-18.

Conditions:
Breast-ovarian cancer, familial, susceptibility to, 2 (BROVCA2). Also called: BRCA2 Hereditary Breast and Ovarian Cancer. Identifiers: Orphanet 145, MedGen C2675520, MONDO:0012933, OMIM 612555. Disease mechanism: loss of function.

Submissions (3):

Evidence-based Network for the Interpretation of Germline Mutant Alleles (ENIGMA)
Classification: Pathogenic for Breast-ovarian cancer, familial, susceptibility to, 2. Last evaluated: 2016-10-18. Review status: reviewed by expert panel. Criteria: ENIGMA BRCA1/2 Classification Criteria (2015). Collection method: curation. Allele origin: germline.
Comment: Variant allele predicted to encode a truncated non-functional protein.

Consortium of Investigators of Modifiers of BRCA1/2 (CIMBA), c/o University of Cambridge
Classification: Pathogenic for Breast-ovarian cancer, familial, susceptibility to, 2. Last evaluated: 2015-10-02. Review status: criteria provided, single submitter. Criteria: CIMBA Mutation Classification guidelines May 2016. Collection method: clinical testing. Allele origin: germline. Not counted in ClinVar's aggregate classification.

Breast Cancer Information Core (BIC) (BRCA2)
Classification: Pathogenic for Breast-ovarian cancer, familial 2. Last evaluated: 2012-05-24. Review status: no assertion criteria provided. Collection method: clinical testing. Allele origin: germline. Affected: yes. Observed: 1 variant allele. Not counted in ClinVar's aggregate classification.

Literature cited by the submitters: PubMed 22425665 (cited by Breast Cancer Information Core (BIC) (BRCA2)).

NM_000059.4(BRCA2):c.7235_7236insG (p.Thr2412_Lys2413insTer)

Gene: BRCA2 (BRCA2 DNA repair associated; plus strand). Cytogenetic location: 13q13.1.
Variant type: Insertion.
Coding change: c.7235_7236insG on transcript NM_000059.4 (MANE Select); coding-DNA positions 7235 to 7236, G inserted.
Protein change: p.Thr2412_Lys2413insTer.
Molecular consequence: frameshift variant.
Genome position: GRCh38 VCF-style: chr13-32355088-C-CG. GRCh37 (hg19) VCF-style: chr13-32929225-C-CG.
Other names: 7463insG; 7463insG-ter2413.
Identifiers: ClinVar variation 126132 (VCV000126132.7), dbSNP rs483353118, ClinGen allele CA024983.